The following is an entry in ClinVar:

NM_001042492.3(NF1):c.288+3A>C

Gene: NF1 (neurofibromin 1; plus strand). Cytogenetic location: 17q11.2.
Variant type: single nucleotide variant.
Coding change: c.288+3A>C on transcript NM_001042492.3 (MANE Select); 3 bases into the intron after coding-DNA position 288, A replaced by C.
Molecular consequence: intron variant.
Genome position (GRCh38, 1-based): chr17:31,159,096, A>C. VCF-style: chr17-31159096-A-C. GRCh37 (hg19) VCF-style: chr17-29486114-A-C.
Other names: c.288+3A>C (NM_000267.4, NM_001128147.3).
Identifiers: ClinVar variation 1349987 (VCV001349987.6), dbSNP rs2065718699, ClinGen allele CA2573153552.

ClinVar aggregate classification (germline): Uncertain significance (1 of 4 stars; one submission).

Conditions:
Neurofibromatosis, type 1 (NF1). Also called: VON RECKLINGHAUSEN DISEASE; Peripheral type neurofibromatosis; Neurofibromatosis, type I; NEUROFIBROMATOSIS, TYPE I, SOMATIC. Identifiers: Orphanet 636, MedGen C0027831, MONDO:0018975, OMIM 162200. Disease mechanism: loss of function.

Submission:

Labcorp Genetics (formerly Invitae), Labcorp
Classification: Uncertain significance for Neurofibromatosis, type 1. Last evaluated: 2021-04-29. Review status: criteria provided, single submitter. Criteria: Invitae Variant Classification Sherloc (09022015). Collection method: clinical testing. Allele origin: germline.
Comment: In summary, the available evidence is currently insufficient to determine the role of this variant in disease. Therefore, it has been classified as a Variant of Uncertain Significance. Nucleotide substitutions within the consensus splice site are a relatively common cause of aberrant splicing (PMID: 17576681, 9536098). Algorithms developed to predict the effect of sequence changes on RNA splicing suggest that this variant may disrupt the consensus splice site, but this prediction has not been confirmed by published transcriptional studies. This variant has not been reported in the literature in individuals with NF1-related conditions. This variant is not present in population databases (ExAC no frequency). This sequence change falls in intron 3 of the NF1 gene. It does not directly change the encoded amino acid sequence of the NF1 protein. It affects a nucleotide within the consensus splice site of the intron.

Literature cited by the submitters: PubMed 17576681; PubMed 9536098.